The following is an entry in ClinVar:

ClinVar aggregate classification (germline): Uncertain significance (1 of 4 stars; one submission).

Conditions:
Intellectual developmental disorder, autosomal dominant 44, with microcephaly. Also called: Micrognathia-recurrent infections-behavioral abnormalities-mild intellectual disability syndrome; TRIO-Related Intellectual Disability. Identifiers: Orphanet 476126, MedGen C4310740, MONDO:0014892, OMIM 617061.
Intellectual developmental disorder, autosomal dominant 63, with macrocephaly. Also called: MENTAL RETARDATION, AUTOSOMAL DOMINANT 63, WITH MACROCEPHALY. Identifiers: MedGen C5394205, MONDO:0032939, OMIM 618825.

Submission:

Juno Genomics, Hangzhou Juno Genomics, Inc
Classification: Uncertain significance for Intellectual developmental disorder, autosomal dominant 44, with microcephaly; Intellectual developmental disorder, autosomal dominant 63, with macrocephaly. Review status: criteria provided, single submitter. Criteria: ACMG Guidelines, 2015. Collection method: clinical testing. Allele origin: germline. Affected: yes.
Comment: Absent from controls (or at extremely low frequency if recessive) in Genome Aggregation Database, Exome Sequencing Project, 1000 Genomes Project, or Exome Aggregation Consortium.;Multiple lines of computational evidence support a deleterious effect on the gene or gene product (conservation, evolutionary, splicing impact, etc).;Missense variant in a gene that has a low rate of benign missense variation and where missense variants are a common mechanism of disease.

NM_007118.4(TRIO):c.9023A>C (p.Asp3008Ala)

Gene: TRIO (trio Rho guanine nucleotide exchange factor; plus strand). Cytogenetic location: 5p15.2.
Variant type: single nucleotide variant.
Coding change: c.9023A>C on transcript NM_007118.4 (MANE Select); coding-DNA position 9023, A replaced by C.
Protein change: p.Asp3008Ala; replaces aspartic acid 3008 with alanine.
Molecular consequence: missense variant. On other transcripts: non-coding transcript variant (1).
Genome position (GRCh38, 1-based): chr5:14,508,151, A>C. VCF-style: chr5-14508151-A-C. GRCh37 (hg19) VCF-style: chr5-14508260-A-C.
Other names: short protein forms D3008A.
Identifiers: ClinVar variation 4796594 (VCV004796594.1).